The following is an entry in ClinVar:

NM_001261413.2(DCTN2):c.1119+7G>A

Gene: DCTN2 (dynactin subunit 2; minus strand). Cytogenetic location: 12q13.3.
Variant type: single nucleotide variant.
Coding change: c.1119+7G>A on transcript NM_001261413.2 (MANE Select); 7 bases into the intron after coding-DNA position 1119, G replaced by A.
Molecular consequence: intron variant.
Genome position (GRCh38, 1-based): chr12:57,532,008, C>T on the plus strand (G>A on the coding strand, the complement: DCTN2 is on the minus strand). VCF-style: chr12-57532008-C-T. GRCh37 (hg19) VCF-style: chr12-57925791-C-T.
Other names: c.858+7G>A (NM_001348068.2, NM_001348067.2); c.1125+7G>A (NM_001261412.2); c.1134+7G>A (NM_006400.5); c.1050+7G>A (NM_001348066.2); c.1254+7G>A (NM_001348065.2).
Identifiers: ClinVar variation 3027123 (VCV003027123.22), dbSNP rs1879767962, ClinGen allele CA2038901237.

ClinVar aggregate classification (germline): Uncertain significance (1 of 4 stars; one submission).

Submission:

CeGaT Center for Human Genetics Tuebingen
Classification: Uncertain significance. Last evaluated: 2024-02-01. Review status: criteria provided, single submitter. Criteria: CeGaT Center For Human Genetics Tuebingen Variant Classification Criteria Version 2. Collection method: clinical testing. Allele origin: germline. Affected: yes. Observed: 1 variant allele.
Comment: DCTN2: PM2, BP4